The following is an entry in ClinVar:

NM_004369.4(COL6A3):c.2579A>G (p.Tyr860Cys)

Gene: COL6A3 (collagen type VI alpha 3 chain; minus strand). Cytogenetic location: 2q37.3.
Variant type: single nucleotide variant.
Coding change: c.2579A>G on transcript NM_004369.4 (MANE Select); coding-DNA position 2579, A replaced by G.
Protein change: p.Tyr860Cys; replaces tyrosine 860 with cysteine.
Molecular consequence: missense variant.
Genome position (GRCh38, 1-based): chr2:237,377,263, T>C on the plus strand (A>G on the coding strand, the complement: COL6A3 is on the minus strand). VCF-style: chr2-237377263-T-C. GRCh37 (hg19) VCF-style: chr2-238285906-T-C.
Other names: c.1358A>G, p.Tyr453Cys (NM_057164.5); c.1961A>G, p.Tyr654Cys (NM_057165.5, NM_057167.4); c.758A>G, p.Tyr253Cys (NM_057166.5); short protein forms Y860C, Y453C, Y654C, Y253C.
Identifiers: ClinVar variation 1382018 (VCV001382018.6), dbSNP rs2106364778, ClinGen allele CA351211209.
Genomic context (GRCh38, chr2:237,377,263, plus strand): 5'-TACTGAGCCACCGCAATTCGGGTCCCCTCTGGCTTCACATTGAGCTCATCGATAATCTTG[T>C]AGAGAAAGTCACGGACAACAGGGAACTGGCCCACAAGATTGGCTGAGCCGTCAAAGAGGA-3'
Protein context (NP_004360.2, residues 850-870): GQFPVVRDFL[Tyr860Cys]KIIDELNVKP

ClinVar aggregate classification (germline): Uncertain significance (1 of 4 stars; one submission).

Conditions:
Bethlem myopathy 1A. Also called: Bethlem myopathy 1; Bethlem Muscular Dystrophy; MYOPATHY, BENIGN CONGENITAL, WITH CONTRACTURES. Identifiers: Orphanet 610, MedGen CN029274, MONDO:0024530, OMIM 158810.

Submission:

Labcorp Genetics (formerly Invitae), Labcorp
Classification: Uncertain significance for Bethlem myopathy 1A. Last evaluated: 2021-10-28. Review status: criteria provided, single submitter. Criteria: Invitae Variant Classification Sherloc (09022015). Collection method: clinical testing. Allele origin: germline.
Comment: This variant is not present in population databases (gnomAD no frequency). This sequence change replaces tyrosine, which is neutral and polar, with cysteine, which is neutral and slightly polar, at codon 860 of the COL6A3 protein (p.Tyr860Cys). This variant has not been reported in the literature in individuals affected with COL6A3-related conditions. In summary, the available evidence is currently insufficient to determine the role of this variant in disease. Therefore, it has been classified as a Variant of Uncertain Significance. Advanced modeling of protein sequence and biophysical properties (such as structural, functional, and spatial information, amino acid conservation, physicochemical variation, residue mobility, and thermodynamic stability) performed at Invitae indicates that this missense variant is not expected to disrupt COL6A3 protein function.